The following is an entry in ClinVar:

NM_005245.4(FAT1):c.9583T>G (p.Tyr3195Asp)

Gene: FAT1 (FAT atypical cadherin 1; minus strand). Cytogenetic location: 4q35.2.
Variant type: single nucleotide variant.
Coding change: c.9583T>G on transcript NM_005245.4 (MANE Select); coding-DNA position 9583, T replaced by G.
Protein change: p.Tyr3195Asp; replaces tyrosine 3195 with aspartic acid.
Molecular consequence: missense variant.
Genome position (GRCh38, 1-based): chr4:186,611,656, A>C on the plus strand (T>G on the coding strand, the complement: FAT1 is on the minus strand). VCF-style: chr4-186611656-A-C. GRCh37 (hg19) VCF-style: chr4-187532810-A-C.
Other names: c.9583T>G, p.Tyr3195Asp (NM_001440455.1, NM_001440456.1, NM_001440457.1); short protein forms Y3195D.
Identifiers: ClinVar variation 5001718 (VCV005001718.1).
Genomic context (GRCh38, chr4:186,611,656, plus strand): 5'-TGCCAGTGGCAGTCAGCCTCCTTGGCAAGCCTTGATCCACAGCTTTCAAAGAGAGGGTGT[A>C]TACTGCCTGGAGTTCTCTGTCCAAAGGTTTTTCTAACTGAATAATTCCAGATAATTCGTT-3'
Protein context (NP_005236.2, residues 3185-3205): KPLDRELQAV[Tyr3195Asp]TLSLKAVDQG

ClinVar aggregate classification (germline): Uncertain significance (1 of 4 stars; one submission).

Conditions:
FAT1-related disorder. Also called: FAT1-related condition.

Submission:

PreventionGenetics, part of Exact Sciences
Classification: Uncertain significance for FAT1-related condition. Last evaluated: 2025-09-04. Review status: criteria provided, single submitter. Criteria: ACMG Guidelines, 2015. Collection method: clinical testing. Allele origin: germline.
Comment: The FAT1 c.9583T>G variant is predicted to result in the amino acid substitution p.Tyr3195Asp. To our knowledge, this variant has not been reported in the literature or in a large population database (gnomAD), indicating this variant is rare. At this time, the clinical significance of this variant is uncertain due to the absence of conclusive functional and genetic evidence.